The following is an entry in ClinVar:

ClinVar aggregate classification (germline): Uncertain significance (1 of 4 stars; one submission).

Conditions:
Hereditary cancer-predisposing syndrome. Also called: Neoplastic Syndromes, Hereditary; Tumor predisposition; Hereditary Cancer Syndrome; Hereditary neoplastic syndrome. Identifiers: Orphanet 140162, MedGen C0027672, MeSH D009386, MONDO:0015356.

Submission:

Ambry Genetics
Classification: Uncertain significance for Hereditary cancer-predisposing syndrome. Last evaluated: 2025-09-17. Review status: criteria provided, single submitter. Criteria: Ambry Variant Classification Scheme 2023. Collection method: clinical testing. Allele origin: germline.
Comment: The p.G109R variant (also known as c.325G>A), located in coding exon 2 of the MSH3 gene, results from a G to A substitution at nucleotide position 325. The glycine at codon 109 is replaced by arginine, an amino acid with dissimilar properties. This amino acid position is conserved. In addition, this alteration is predicted to be tolerated by in silico analysis. Based on the available evidence, the clinical significance of this variant remains unclear.

NM_002439.5(MSH3):c.325G>A (p.Gly109Arg)

Gene: MSH3 (mutS homolog 3; plus strand). Cytogenetic location: 5q14.1.
Variant type: single nucleotide variant.
Coding change: c.325G>A on transcript NM_002439.5 (MANE Select); coding-DNA position 325, G replaced by A.
Protein change: p.Gly109Arg; replaces glycine 109 with arginine.
Molecular consequence: missense variant.
Genome position (GRCh38, 1-based): chr5:80,656,498, G>A. VCF-style: chr5-80656498-G-A. GRCh37 (hg19) VCF-style: chr5-79952317-G-A.
Other names: short protein forms G109R.
Identifiers: ClinVar variation 4653614 (VCV004653614.1).